The following is an entry in ClinVar:

NM_005476.7(GNE):c.1219C>G (p.Leu407Val)

Gene: GNE (glucosamine (UDP-N-acetyl)-2-epimerase/N-acetylmannosamine kinase; minus strand). Cytogenetic location: 9p13.3.
Variant type: single nucleotide variant.
Coding change: c.1219C>G on transcript NM_005476.7 (MANE Select); coding-DNA position 1219, C replaced by G.
Protein change: p.Leu407Val; replaces leucine 407 with valine.
Molecular consequence: missense variant.
Genome position (GRCh38, 1-based): chr9:36,227,310, G>C on the plus strand (C>G on the coding strand, the complement: GNE is on the minus strand). VCF-style: chr9-36227310-G-C. GRCh37 (hg19) VCF-style: chr9-36227307-G-C.
Other names: NC_000009.11:g.36227307G>C; c.1312C>G, p.Leu438Val (NM_001128227.3); c.1219C>G, p.Leu407Val (NM_001190383.3); c.889C>G, p.Leu297Val (NM_001190384.3); c.1042C>G, p.Leu348Val (NM_001190388.2, NM_001374798.1); c.1066C>G, p.Leu356Val (NM_001374797.1); short protein forms L407V, L297V, L348V, L356V, L438V.
Identifiers: ClinVar variation 4356526 (VCV004356526.2).

ClinVar aggregate classification (germline): Uncertain significance (1 of 4 stars; one submission).

Conditions:
GNE myopathy (NM). Also called: NONAKA DISTAL MYOPATHY; INCLUSION BODY MYOPATHY, HEREDITARY, AUTOSOMAL RECESSIVE; INCLUSION BODY MYOPATHY 2, AUTOSOMAL RECESSIVE; MYOPATHY, DISTAL, WITH OR WITHOUT RIMMED VACUOLES; IBM 2; Inclusion body myopathy autosomal recessive. Identifiers: Orphanet 602, MedGen C1853926, MONDO:0011603, OMIM 605820.

gnomAD v4.1: 11 of 1,613,588 alleles (0.00068%); highest among the groups gnomAD compares: African/African-American, 0.0027%; no homozygotes.

Submissions (2):

Myriad Genetics, Inc.
Classification: Uncertain significance for GNE myopathy. Last evaluated: 2025-07-24. Review status: criteria provided, single submitter. Criteria: Myriad Autosomal Dominant, Autosomal Recessive and X-Linked Classification Criteria (2023). Collection method: clinical testing. Allele origin: unknown.
Comment: NM_001128227.2(GNE):c.1312C>G(L438V) is a missense variant classified as a variant of uncertain significance in the context of GNE myopathy. L438V has not been observed in cases with relevant disease. Relevant functional assessments of this variant are not available in the literature. L438V has been observed in referenced population frequency databases. In summary, there is insufficient evidence to classify NM_001128227.2(GNE):c.1312C>G(L438V) as pathogenic or benign. Please note: this variant was assessed in the context of healthy population screening.

Dr. Peter K. Rogan Lab, Western University
No classification provided (evidence only). Condition: Acute myeloid leukemia. Review status: no classification provided. Collection method: in vitro. Allele origin: not applicable. Functional consequence: retained intron. Not counted in ClinVar's aggregate classification.